The following is an entry in ClinVar:

NM_007294.4(BRCA1):c.778A>C (p.Lys260Gln)

Gene: BRCA1 (BRCA1 DNA repair associated; minus strand). Cytogenetic location: 17q21.31.
Variant type: single nucleotide variant.
Coding change: c.778A>C on transcript NM_007294.4 (MANE Select); coding-DNA position 778, A replaced by C.
Protein change: p.Lys260Gln; replaces lysine 260 with glutamine.
Molecular consequence: missense variant. On other transcripts: non-coding transcript variant (1).
Genome position (GRCh38, 1-based): chr17:43,094,753, T>G on the plus strand (A>C on the coding strand, the complement: BRCA1 is on the minus strand). VCF-style: chr17-43094753-T-G. GRCh37 (hg19) VCF-style: chr17-41246770-T-G.
Other names: c.634A>C, p.Lys212Gln (NM_001407847.1, NM_001407848.1, NM_001407849.1 and 26 more transcripts); c.565A>C, p.Lys189Gln (NM_001407571.1, NM_001407853.1, NM_001407894.1 and 12 more transcripts); c.637A>C, p.Lys213Gln (NM_001407850.1, NM_001407851.1, NM_001407852.1 and 43 more transcripts); c.778A>C, p.Lys260Gln (NM_001407581.1, NM_001407582.1, NM_001407583.1 and 54 more transcripts); c.775A>C, p.Lys259Gln (NM_001407587.1, NM_001407590.1, NM_001407591.1 and 38 more transcripts); c.577A>C, p.Lys193Gln (NM_001407862.1, NM_001408474.1, NM_001408476.1); c.655A>C, p.Lys219Gln (NM_001407863.1, NM_001407919.1, NM_001407648.1 and 34 more transcripts); c.574A>C, p.Lys192Gln (NM_001407874.1, NM_001407875.1, NM_001408475.1); and 14 more; short protein forms K260Q, K213Q, K172Q, K189Q, K212Q, K233Q, K257Q, K148Q.
Identifiers: ClinVar variation 185545 (VCV000185545.11), dbSNP rs786202263, ClinGen allele CA003863.

ClinVar aggregate classification (germline): Conflicting classifications of pathogenicity. Review status: criteria provided, conflicting classifications (1 of 4 stars). 3 submissions from 3 submitters: Uncertain significance (2); Likely benign (1). Last evaluated 2024-12-02.

Conditions:
Hereditary cancer-predisposing syndrome. Also called: Hereditary neoplastic syndrome; Neoplastic Syndromes, Hereditary; Tumor predisposition; Hereditary Cancer Syndrome. Identifiers: Orphanet 140162, MedGen C0027672, MeSH D009386, MONDO:0015356.
Hereditary breast ovarian cancer syndrome. Also called: Hereditary breast and ovarian cancer syndrome (HBOC); Breast and ovarian cancer; Hereditary breast and/or ovarian cancer syndrome; BRCA1- and BRCA2-Associated Hereditary Breast and Ovarian Cancer; Hereditary breast and ovarian cancer syndrome; Hereditary breast and ovarian cancer. Identifiers: Orphanet 145, MedGen C0677776, MeSH D061325, MONDO:0003582. Disease mechanism: loss of function.

Submissions (3):

Labcorp Genetics (formerly Invitae), Labcorp
Classification: Uncertain significance for Hereditary breast ovarian cancer syndrome. Last evaluated: 2024-12-02. Review status: criteria provided, single submitter. Criteria: Invitae Variant Classification Sherloc (09022015). Collection method: clinical testing. Allele origin: germline.
Comment: This sequence change replaces lysine, which is basic and polar, with glutamine, which is neutral and polar, at codon 260 of the BRCA1 protein (p.Lys260Gln). This variant is not present in population databases (gnomAD no frequency). This variant has not been reported in the literature in individuals affected with BRCA1-related conditions. ClinVar contains an entry for this variant (Variation ID: 185545). Invitae Evidence Modeling of protein sequence and biophysical properties (such as structural, functional, and spatial information, amino acid conservation, physicochemical variation, residue mobility, and thermodynamic stability) indicates that this missense variant is expected to disrupt BRCA1 protein function with a positive predictive value of 80%. In summary, the available evidence is currently insufficient to determine the role of this variant in disease. Therefore, it has been classified as a Variant of Uncertain Significance.

Ambry Genetics
Classification: Uncertain significance for Hereditary cancer-predisposing syndrome. Last evaluated: 2024-09-25. Review status: criteria provided, single submitter. Criteria: Ambry Variant Classification Scheme 2023. Collection method: clinical testing. Allele origin: germline.
Comment: The p.K260Q variant (also known as c.778A>C), located in coding exon 9 of the BRCA1 gene, results from an A to C substitution at nucleotide position 778. The lysine at codon 260 is replaced by glutamine, an amino acid with similar properties. This amino acid position is well conserved in available vertebrate species. In addition, this alteration is predicted to be deleterious by in silico analysis. Based on the available evidence, the clinical significance of this variant remains unclear.

University of Washington Department of Laboratory Medicine, University of Washington
Classification: Likely benign for Hereditary cancer-predisposing syndrome. Last evaluated: 2023-03-23. Review status: criteria provided, single submitter. Criteria: Dines et al. (Genet Med. 2020). Collection method: curation. Allele origin: germline.
Comment: Missense variant in a coldspot region where missense variants are very unlikely to be pathogenic (PMID:31911673).

BRCA1 coldspot (exon 11 using historical exon numbering). Reclassification based on statistical prior probability